The following is an entry in ClinVar:

ClinVar aggregate classification (germline): Uncertain significance. Review status: criteria provided, multiple submitters, no conflicts (2 of 4 stars). 2 submissions from 2 submitters: Uncertain significance (2). Last evaluated 2025-10-16.

Conditions:
Retinitis pigmentosa 71 (RP71). Identifiers: Orphanet 791, MedGen C4225342, MONDO:0014618, OMIM 616394.
Short-rib thoracic dysplasia 10 with or without polydactyly (SRTD10). Identifiers: Orphanet 474, MedGen C3810175, MONDO:0014284, OMIM 615630.
IFT172-related disorder. Also called: IFT172-related condition; IFT172-related disorders.

Allele frequency attached by ClinVar (database versions not stated): ExAC 0.00001.
gnomAD v4.1: 3 of 1,614,162 alleles (0.00019%); highest among the groups gnomAD compares: Non-Finnish European, 0.000085%; no homozygotes.

Submissions (2):

PreventionGenetics, part of Exact Sciences
Classification: Uncertain significance for IFT172-related condition. Last evaluated: 2025-10-16. Review status: criteria provided, single submitter. Criteria: ACMG Guidelines, 2015. Collection method: clinical testing. Allele origin: germline.
Comment: The IFT172 c.3866C>A variant is predicted to result in the amino acid substitution p.Ala1289Asp. To our knowledge, this variant has not been reported in the literature. This variant is reported in 0.0% of alleles in individuals of African descent in gnomAD. At this time, the clinical significance of this variant is uncertain due to the absence of conclusive functional and genetic evidence.

Labcorp Genetics (formerly Invitae), Labcorp
Classification: Uncertain significance for Retinitis pigmentosa 71; Short-rib thoracic dysplasia 10 with or without polydactyly. Last evaluated: 2022-04-16. Review status: criteria provided, single submitter. Criteria: Invitae Variant Classification Sherloc (09022015). Collection method: clinical testing. Allele origin: germline.
Comment: This sequence change replaces alanine, which is neutral and non-polar, with aspartic acid, which is acidic and polar, at codon 1289 of the IFT172 protein (p.Ala1289Asp). In summary, the available evidence is currently insufficient to determine the role of this variant in disease. Therefore, it has been classified as a Variant of Uncertain Significance. Algorithms developed to predict the effect of missense changes on protein structure and function (SIFT, PolyPhen-2, Align-GVGD) all suggest that this variant is likely to be tolerated. ClinVar contains an entry for this variant (Variation ID: 1003235). This variant has not been reported in the literature in individuals affected with IFT172-related conditions. This variant is present in population databases (rs768543764, gnomAD 0.0009%).

NM_015662.3(IFT172):c.3866C>A (p.Ala1289Asp)

Genes: IFT172 (intraflagellar transport 172; minus strand), LOC126806173 (BRD4-independent group 4 enhancer GRCh37_chr2:27676057-27677256; plus strand). Cytogenetic location: 2p23.3.
Variant type: single nucleotide variant.
Coding change: c.3866C>A on transcript NM_015662.3 (MANE Select); coding-DNA position 3866, C replaced by A.
Protein change: p.Ala1289Asp; replaces alanine 1289 with aspartic acid.
Molecular consequence: missense variant.
Genome position (GRCh38, 1-based): chr2:27,453,469, G>T on the plus strand (C>A on the coding strand, the complement: IFT172 is on the minus strand). VCF-style: chr2-27453469-G-T. GRCh37 (hg19) VCF-style: chr2-27676336-G-T.
Other names: c.3866C>A (NM_015662.2); short protein forms A1289D.
Identifiers: ClinVar variation 1003235 (VCV001003235.11), dbSNP rs768543764, ClinGen allele CA1579838.
Genomic context (GRCh38, chr2:27,453,469, plus strand): 5'-CCGCTGTTTCCAGAGTCTCGCACTTTGAGGTAGCAGTCCACGGCACGGCTGTACTCTCCA[G>T]CCTGCTCCCAGTGTCGAGCTTGTTCCACAAATCCCTCCACACCCCTGTGGAGATGAGAGC-3'
Protein context (NP_056477.1, residues 1279-1299): FVEQARHWEQ[Ala1289Asp]GEYSRAVDCY